The following is an entry in ClinVar:

ClinVar aggregate classification (germline): Likely benign (0 of 4 stars; one submission).

Conditions:
PLXND1-related disorder. Also called: PLXND1-related condition.

Submission:

PreventionGenetics, part of Exact Sciences
Classification: Likely benign for PLXND1-related condition. Last evaluated: 2019-03-01. Review status: no assertion criteria provided. Collection method: clinical testing. Allele origin: germline.
Comment: This variant is classified as likely benign based on ACMG/AMP sequence variant interpretation guidelines (Richards et al. 2015 PMID: 25741868, with internal and published modifications).

NM_015103.3(PLXND1):c.609G>A (p.Gly203=)

Gene: PLXND1 (plexin D1; minus strand). Cytogenetic location: 3q22.1.
Variant type: single nucleotide variant.
Coding change: c.609G>A on transcript NM_015103.3 (MANE Select); coding-DNA position 609, G replaced by A.
Protein change: p.Gly203=; no amino-acid change (glycine 203 retained).
Molecular consequence: synonymous variant.
Genome position (GRCh38, 1-based): chr3:129,606,031, C>T on the plus strand (G>A on the coding strand, the complement: PLXND1 is on the minus strand). VCF-style: chr3-129606031-C-T. GRCh37 (hg19) VCF-style: chr3-129324874-C-T.
Identifiers: ClinVar variation 3042381 (VCV003042381.2), dbSNP rs2533302977, ClinGen allele CA435777527.